The following is an entry in ClinVar:

ClinVar aggregate classification (germline): Benign. Review status: criteria provided, multiple submitters, no conflicts (2 of 4 stars). 14 submissions from 12 submitters: Benign (10). 4 of the submissions do not count toward it. Last evaluated 2026-02-04.

Conditions:
Mucolipidosis type II. Also called: Mucolipidosis II Alpha/Beta; ML II ALPHA/BETA; Mucolipidosis 2; ML 2; Inclusion cell disease; Leroy Disease. Identifiers: Orphanet 576, MedGen C2673377, MONDO:0009650, OMIM 252500.
Pseudo-Hurler polydystrophy. Also called: MUCOLIPIDOSIS IIIA; ML III; ML III ALPHA/BETA; Type III Mucolipidosis; ML IIIA; Mucolipidosis III Alpha/Beta. Identifiers: Orphanet 423461, Orphanet 577, MedGen C0033788, MONDO:0018931, OMIM 252600.

Allele frequency attached by ClinVar (database versions not stated): ESP Exome Variant Server 0.59672; gnomAD 0.60955 and 0.61186; 1000 Genomes Project 0.69050; TOPMed 0.61317; gnomAD exomes 0.59921; ExAC 0.60146; 1000 Genomes Project 30x 0.68270.
gnomAD v4.1: 885,298 of 1,598,386 alleles (55%); highest among the groups gnomAD compares: East Asian, 89%; 251,192 homozygotes.

Submissions (14):

Labcorp Genetics (formerly Invitae), Labcorp
Classification: Benign for Pseudo-Hurler polydystrophy; Mucolipidosis type II. Last evaluated: 2026-02-04. Review status: criteria provided, single submitter. Criteria: Invitae Variant Classification Sherloc (09022015). Collection method: clinical testing. Allele origin: germline.

Genome-Nilou Lab
Classification: Benign for Mucolipidosis type II. Last evaluated: 2021-07-01. Review status: criteria provided, single submitter. Criteria: ACMG Guidelines, 2015. Collection method: clinical testing. Allele origin: germline. Affected: no.

Genome-Nilou Lab
Classification: Benign for Pseudo-Hurler polydystrophy. Last evaluated: 2021-07-01. Review status: criteria provided, single submitter. Criteria: ACMG Guidelines, 2015. Collection method: clinical testing. Allele origin: germline. Affected: no.

GeneDx
Classification: Benign. Last evaluated: 2018-06-13. Review status: criteria provided, single submitter. Criteria: GeneDx Variant Classification (06012015). Collection method: clinical testing. Allele origin: germline. Affected: yes.
Comment: This variant is considered likely benign or benign based on one or more of the following criteria: it is a conservative change, it occurs at a poorly conserved position in the protein, it is predicted to be benign by multiple in silico algorithms, and/or has population frequency not consistent with disease.

Illumina Laboratory Services, Illumina
Classification: Benign for Pseudo-Hurler polydystrophy. Last evaluated: 2018-01-12. Review status: criteria provided, single submitter. Criteria: ICSL Variant Classification Criteria 13 December 2019. Collection method: clinical testing. Allele origin: germline.
Comment: This variant was observed in the ICSL laboratory as part of a predisposition screen in an ostensibly healthy population. It had not been previously curated by ICSL or reported in the Human Gene Mutation Database (HGMD: prior to June 1st, 2018), and was therefore a candidate for classification through an automated scoring system. Utilizing variant allele frequency, disease prevalence and penetrance estimates, and inheritance mode, an automated score was calculated to assess if this variant is too frequent to cause the disease. Based on the score and internal cut-off values, a variant classified as benign is not then subjected to further curation. The score for this variant resulted in a classification of benign for this disease.

Illumina Laboratory Services, Illumina
Classification: Benign for Mucolipidosis type II. Last evaluated: 2018-01-12. Review status: criteria provided, single submitter. Criteria: ICSL Variant Classification Criteria 13 December 2019. Collection method: clinical testing. Allele origin: germline.
Comment: the same text as in the submission from Illumina Laboratory Services, Illumina above.

Women's Health and Genetics/Laboratory Corporation of America, LabCorp
Classification: Benign. Last evaluated: 2016-10-10. Review status: criteria provided, single submitter. Criteria: LabCorp Variant Classification Summary - May 2015. Collection method: clinical testing. Allele origin: germline.
Comment: Variant summary: The GNPTAB c.3135+5T>C variant involves the alteration of a non-conserved intronic nucleotide with 5/5 splice prediction tools predict no significant impact on normal splicing. The variant of interest was observed in the large, broad control population, ExAC, with an allele frequency of 72377/120336 (22256 homozygotes) at a frequency of 0.6014576, with indicates the C allele is the major allele (the allele most commonly observed in the general population). In addition, multiple clinical diagnostic laboratories/databases cite the variant as "benign." Therefore, the variant of interest has been classified as Benign.

Eurofins Ntd Llc (ga)
Classification: Benign. Last evaluated: 2014-05-20. Review status: criteria provided, single submitter. Criteria: EGL Classification Definitions 2015. Collection method: clinical testing. Allele origin: germline. Observed: 82 variant alleles, 41 heterozygotes, 41 homozygotes.

Breakthrough Genomics
Classification: Benign. Review status: criteria provided, single submitter. Criteria: ACMG Guidelines, 2015. Collection method: not provided. Allele origin: germline. Inheritance: Autosomal recessive inheritance. Affected: yes.

PreventionGenetics, part of Exact Sciences
Classification: Benign. Review status: criteria provided, single submitter. Criteria: ACMG Guidelines, 2015. Collection method: clinical testing. Allele origin: germline.

Natera, Inc.
Classification: Benign for Mucolipidosis type II. Last evaluated: 2020-09-16. Review status: no assertion criteria provided. Collection method: clinical testing. Allele origin: germline. Not counted in ClinVar's aggregate classification.

Mayo Clinic Laboratories, Mayo Clinic
Classification: Benign. Last evaluated: 2015-10-20. Review status: no assertion criteria provided. Collection method: clinical testing. Allele origin: unknown. Not counted in ClinVar's aggregate classification.

Clinical Genetics DNA and cytogenetics Diagnostics Lab, Erasmus MC, Erasmus Medical Center
Classification: Benign. Review status: no assertion criteria provided. Collection method: clinical testing. Allele origin: germline. Affected: yes. Study: VKGL Data-share Consensus. Not counted in ClinVar's aggregate classification.

Diagnostic Laboratory, Department of Genetics, University Medical Center Groningen
Classification: Benign. Review status: no assertion criteria provided. Collection method: clinical testing. Allele origin: germline. Affected: yes. Study: VKGL Data-share Consensus. Not counted in ClinVar's aggregate classification.

NM_024312.5(GNPTAB):c.3135+5T>C

Gene: GNPTAB (N-acetylglucosamine-1-phosphate transferase subunits alpha and beta; minus strand). Cytogenetic location: 12q23.2.
Variant type: single nucleotide variant.
Coding change: c.3135+5T>C on transcript NM_024312.5 (MANE Select); 5 bases into the intron after coding-DNA position 3135, T replaced by C.
Molecular consequence: intron variant.
Genome position (GRCh38, 1-based): chr12:101,761,122, A>G on the plus strand (T>C on the coding strand, the complement: GNPTAB is on the minus strand). VCF-style: chr12-101761122-A-G. GRCh37 (hg19) VCF-style: chr12-102154900-A-G.
Identifiers: ClinVar variation 96121 (VCV000096121.28), dbSNP rs759935, ClinGen allele CA149256.
Genomic context (GRCh38, chr12:101,761,122, plus strand): 5'-GCGCCTGACCAGAATTAAATTCTCATTTAAAACATCAAAAAGTTTAGAATAAGACAATAC[A>G]ACACCTGCAAACTTAACGGCAGTTCGTGAATTCTGGTAGCCAGTGTTCGGATTTCTCTGT-3'